The following is an entry in ClinVar:

NM_001378183.1(PIEZO2):c.6010G>A (p.Asp2004Asn)

Gene: PIEZO2 (piezo type mechanosensitive ion channel component 2; minus strand). Cytogenetic location: 18p11.22.
Variant type: single nucleotide variant.
Coding change: c.6010G>A on transcript NM_001378183.1 (MANE Select); coding-DNA position 6010, G replaced by A.
Protein change: p.Asp2004Asn; replaces aspartic acid 2004 with asparagine.
Molecular consequence: missense variant.
Genome position (GRCh38, 1-based): chr18:10,704,642, C>T on the plus strand (G>A on the coding strand, the complement: PIEZO2 is on the minus strand). VCF-style: chr18-10704642-C-T. GRCh37 (hg19) VCF-style: chr18-10704640-C-T.
Other names: c.5746G>A, p.Asp1916Asn (NM_001410871.1); c.5671G>A, p.Asp1891Asn (NM_022068.4); c.5671G>A (NM_022068.3); short protein forms D1891N, D1916N, D2004N.
Identifiers: ClinVar variation 3064876 (VCV003064876.2), dbSNP rs1303110248, ClinGen allele CA401910165.
Genomic context (GRCh38, chr18:10,704,642, plus strand): 5'-AGAGCAGCAGAAATCGGGGCTGCCCCACGTAGAATTTCTCTGACTCTTCAAGCTCATCGT[C>T]GTGAAACATCCTGTTAAAGCAAACCACATGATAATATGTCTATTTTTTTTCTTCTTTTTG-3'
Protein context (NP_001365112.1, residues 1994-2014): SELLLKKMFH[Asp2004Asn]DELEESEKFY

ClinVar aggregate classification (germline): Uncertain significance. Review status: criteria provided, multiple submitters, no conflicts (2 of 4 stars). 2 submissions from 2 submitters: Uncertain significance (2). Last evaluated 2024-10-29.

Conditions:
PIEZO2-related disorder. Also called: PIEZO2-related condition; PIEZO2-related disorders.
Arthrogryposis, distal, with impaired proprioception and touch (DAIPT). Identifiers: MedGen C4310692, MONDO:0014941, OMIM 617146.

Allele frequency attached by ClinVar (database versions not stated): gnomAD exomes below 0.00001; TOPMed 0.00002.
gnomAD v4.1: 7 of 1,536,282 alleles (0.00046%); highest among the groups gnomAD compares: African/African-American, 0.0014%; no homozygotes.

Submissions (2):

PreventionGenetics, part of Exact Sciences
Classification: Uncertain significance for PIEZO2-related condition. Last evaluated: 2024-10-29. Review status: criteria provided, single submitter. Criteria: ACMG Guidelines, 2015. Collection method: clinical testing. Allele origin: germline.
Comment: The PIEZO2 c.5671G>A variant is predicted to result in the amino acid substitution p.Asp1891Asn. To our knowledge, this variant has not been reported in the literature. This variant is reported in 0.013% of alleles in individuals of African descent in gnomAD. At this time, the clinical significance of this variant is uncertain due to the absence of conclusive functional and genetic evidence.

Genomic Medicine Center of Excellence, King Faisal Specialist Hospital and Research Centre
Classification: Uncertain significance for Arthrogryposis, distal, with impaired proprioception and touch. Last evaluated: 2024-03-25. Review status: criteria provided, single submitter. Criteria: ACMG Guidelines, 2015. Collection method: clinical testing. Allele origin: germline.